The following is an entry in ClinVar:

NM_001042492.3(NF1):c.1393-32T>C

Gene: NF1 (neurofibromin 1; plus strand). Cytogenetic location: 17q11.2.
Variant type: single nucleotide variant.
Coding change: c.1393-32T>C on transcript NM_001042492.3 (MANE Select); 32 bases into the intron before coding-DNA position 1393, T replaced by C.
Molecular consequence: intron variant.
Genome position (GRCh38, 1-based): chr17:31,214,419, T>C. VCF-style: chr17-31214419-T-C. GRCh37 (hg19) VCF-style: chr17-29541437-T-C.
Other names: c.1393-32T>C (NM_000267.4, NM_001128147.3).
Identifiers: ClinVar variation 257276 (VCV000257276.21), dbSNP rs2905876, ClinGen allele CA8485777.
Genomic context (GRCh38, chr17:31,214,419, plus strand): 5'-CAAAGGTTTTTAATAATAAATTTCTTTTAAAAGGTTGGATAGCTATTATCCTGAGTCTTA[T>C]GTCTGATACCATGTTTTTGTTTTGTTTTTAGAGTCTTACATTTAAAGAAAAAGTAACAAG-3'

ClinVar aggregate classification (germline): Benign. Review status: criteria provided, multiple submitters, no conflicts (2 of 4 stars). 9 submissions from 8 submitters: Benign (9). Last evaluated 2026-02-02.

Conditions:
Hereditary cancer-predisposing syndrome. Also called: Neoplastic Syndromes, Hereditary; Hereditary neoplastic syndrome; Hereditary Cancer Syndrome; Tumor predisposition. Identifiers: Orphanet 140162, MedGen C0027672, MeSH D009386, MONDO:0015356.
Neurofibromatosis, familial spinal (FSNF). Identifiers: Orphanet 636, MedGen C1834235, MONDO:0008078, OMIM 162210. Disease mechanism: loss of function.
Neurofibromatosis, type 1 (NF1). Also called: NEUROFIBROMATOSIS, TYPE I, SOMATIC; Neurofibromatosis, type I; VON RECKLINGHAUSEN DISEASE; Peripheral type neurofibromatosis. Identifiers: Orphanet 636, MedGen C0027831, MONDO:0018975, OMIM 162200. Disease mechanism: loss of function.

Allele frequency attached by ClinVar (database versions not stated): 1000 Genomes Project 30x 0.46518; 1000 Genomes Project 0.47404; TOPMed 0.51744; gnomAD 0.52881; ESP Exome Variant Server 0.56385; gnomAD exomes 0.66776.
gnomAD v4.1: 1,004,578 of 1,535,034 alleles (65%); highest among the groups gnomAD compares: Middle Eastern, 74%; 340,573 homozygotes.

Submissions (9):

Labcorp Genetics (formerly Invitae), Labcorp
Classification: Benign for Neurofibromatosis, type 1. Last evaluated: 2026-02-02. Review status: criteria provided, single submitter. Criteria: Invitae Variant Classification Sherloc (09022015). Collection method: clinical testing. Allele origin: germline.

GeneKor MSA
Classification: Benign for Hereditary cancer-predisposing syndrome. Last evaluated: 2025-07-10. Review status: criteria provided, single submitter. Criteria: ACMG Guidelines, 2015. Collection method: clinical testing. Allele origin: germline.

KCCC/NGS Laboratory, Kuwait Cancer Control Center
Classification: Benign for Neurofibromatosis, type 1. Last evaluated: 2025-02-01. Review status: criteria provided, single submitter. Criteria: ACMG Guidelines, 2015. Collection method: clinical testing. Allele origin: germline. Affected: no.

KCCC/NGS Laboratory, Kuwait Cancer Control Center
Classification: Benign for Neurofibromatosis, familial spinal. Last evaluated: 2023-07-07. Review status: criteria provided, single submitter. Criteria: ACMG Guidelines, 2015. Collection method: clinical testing. Allele origin: germline. Affected: yes.

Genome-Nilou Lab
Classification: Benign for Neurofibromatosis, type 1. Last evaluated: 2022-03-15. Review status: criteria provided, single submitter. Criteria: ACMG Guidelines, 2015. Collection method: clinical testing. Allele origin: germline. Affected: no.

ARUP Laboratories, Molecular Genetics and Genomics, ARUP Laboratories
Classification: Benign. Last evaluated: 2018-07-06. Review status: criteria provided, single submitter. Criteria: ARUP Molecular Germline Variant Investigation Process. Collection method: clinical testing. Allele origin: germline.

GeneDx
Classification: Benign. Last evaluated: 2018-06-20. Review status: criteria provided, single submitter. Criteria: GeneDx Variant Classification (06012015). Collection method: clinical testing. Allele origin: germline. Affected: yes.
Comment: This variant is considered likely benign or benign based on one or more of the following criteria: it is a conservative change, it occurs at a poorly conserved position in the protein, it is predicted to be benign by multiple in silico algorithms, and/or has population frequency not consistent with disease.

Breakthrough Genomics
Classification: Benign. Review status: criteria provided, single submitter. Criteria: ACMG Guidelines, 2015. Collection method: not provided. Allele origin: germline. Inheritance: Autosomal dominant inheritance. Affected: yes.

PreventionGenetics, part of Exact Sciences
Classification: Benign. Review status: criteria provided, single submitter. Criteria: ACMG Guidelines, 2015. Collection method: clinical testing. Allele origin: germline.